The following is an entry in ClinVar:

NM_177972.3(TUB):c.278G>A (p.Ser93Asn)

Genes: TUB (TUB bipartite transcription factor; plus strand), RIC3 (RIC3 acetylcholine receptor chaperone; minus strand). Cytogenetic location: 11p15.4.
Variant type: single nucleotide variant.
Coding change: c.278G>A on transcript NM_177972.3 (MANE Select); coding-DNA position 278, G replaced by A.
Protein change: p.Ser93Asn; replaces serine 93 with asparagine.
Molecular consequence: missense variant. On other transcripts: non-coding transcript variant (1).
Genome position (GRCh38, 1-based): chr11:8,094,070, G>A. VCF-style: chr11-8094070-G-A. GRCh37 (hg19) VCF-style: chr11-8115617-G-A.
Other names: c.443G>A, p.Ser148Asn (NM_003320.5); short protein forms S148N, S93N.
Identifiers: ClinVar variation 1041066 (VCV001041066.8), dbSNP rs1226712996, ClinGen allele CA379564446.

ClinVar aggregate classification (germline): Uncertain significance (1 of 4 stars; one submission).

gnomAD v4.1: 2 of 1,614,202 alleles (0.00012%); highest among the groups gnomAD compares: Non-Finnish European, 0.00017%; no homozygotes.

Submission:

Labcorp Genetics (formerly Invitae), Labcorp
Classification: Uncertain significance. Last evaluated: 2022-02-03. Review status: criteria provided, single submitter. Criteria: Invitae Variant Classification Sherloc (09022015). Collection method: clinical testing. Allele origin: germline.
Comment: In summary, the available evidence is currently insufficient to determine the role of this variant in disease. Therefore, it has been classified as a Variant of Uncertain Significance. Algorithms developed to predict the effect of missense changes on protein structure and function (SIFT, PolyPhen-2, Align-GVGD) all suggest that this variant is likely to be tolerated. ClinVar contains an entry for this variant (Variation ID: 1041066). This variant has not been reported in the literature in individuals affected with TUB-related conditions. This variant is not present in population databases (gnomAD no frequency). This sequence change replaces serine, which is neutral and polar, with asparagine, which is neutral and polar, at codon 148 of the TUB protein (p.Ser148Asn).